The following is an entry in ClinVar:

NM_024824.5(ZC3H14):c.1968T>C (p.His656=)

Gene: ZC3H14 (zinc finger CCCH-type containing 14; plus strand). Cytogenetic location: 14q31.3.
Variant type: single nucleotide variant.
Coding change: c.1968T>C on transcript NM_024824.5 (MANE Select); coding-DNA position 1968, T replaced by C.
Protein change: p.His656=; no amino-acid change (histidine 656 retained).
Molecular consequence: synonymous variant. On other transcripts: non-coding transcript variant (1).
Genome position (GRCh38, 1-based): chr14:88,609,366, T>C. VCF-style: chr14-88609366-T-C. GRCh37 (hg19) VCF-style: chr14-89075710-T-C.
Other names: c.1968T>C, p.His656= (NM_001160103.2); c.1953T>C, p.His651= (NM_001160104.2, NM_001326310.2); c.1575T>C, p.His525= (NM_001326295.2); c.1893T>C, p.His631= (NM_001326296.2, NM_001326307.2); c.1866T>C, p.His622= (NM_001326297.2, NM_001326315.2, NM_001326316.2); c.1500T>C, p.His500= (NM_001326298.2, NM_207660.4); c.1878T>C, p.His626= (NM_001326299.2, NM_001326312.2); c.1503T>C, p.His501= (NM_001326300.2, NM_001326302.2); and 8 more.
Identifiers: ClinVar variation 2644440 (VCV002644440.24), dbSNP rs772791047, ClinGen allele CA7300704.

ClinVar aggregate classification (germline): Likely benign (1 of 4 stars; one submission).

Allele frequency attached by ClinVar (database versions not stated): gnomAD 0.00001; ExAC 0.00002; TOPMed 0.00004; gnomAD exomes 0.00005.
gnomAD v4.1: 72 of 1,613,986 alleles (0.0045%); highest among the groups gnomAD compares: Non-Finnish European, 0.0058%; no homozygotes.

Submission:

CeGaT Center for Human Genetics Tuebingen
Classification: Likely benign. Last evaluated: 2022-05-01. Review status: criteria provided, single submitter. Criteria: CeGaT Center For Human Genetics Tuebingen Variant Classification Criteria Version 2. Collection method: clinical testing. Allele origin: germline. Affected: yes. Observed: 1 variant allele.
Comment: ZC3H14: BP4, BP7